The following is an entry in ClinVar:

NM_005896.4(IDH1):c.493G>A (p.Val165Met)

Gene: IDH1 (isocitrate dehydrogenase (NADP(+)) 1; minus strand). Cytogenetic location: 2q34.
Variant type: single nucleotide variant.
Coding change: c.493G>A on transcript NM_005896.4 (MANE Select); coding-DNA position 493, G replaced by A.
Protein change: p.Val165Met; replaces valine 165 with methionine.
Molecular consequence: missense variant.
Genome position (GRCh38, 1-based): chr2:208,245,346, C>T on the plus strand (G>A on the coding strand, the complement: IDH1 is on the minus strand). VCF-style: chr2-208245346-C-T. GRCh37 (hg19) VCF-style: chr2-209110070-C-T.
Other names: c.493G>A, p.Val165Met (NM_001282386.1, NM_001282387.1); short protein forms V165M.
Identifiers: ClinVar variation 1744265 (VCV001744265.2), dbSNP rs1197355900, ClinGen allele CA350100337.
Genomic context (GRCh38, chr2:208,245,346, plus strand): 5'-AAAAAAAGAAGCTTATGCTACAGTCATACATACCTTCAAAGTTATGTACCAGGTATGTCA[C>T]CTTTTGGGTTCCGTCACTTGGTGTGTAGGTTATCTCTACTTTTCCAGGCCCAGGAACAAC-3'
Protein context (NP_005887.2, residues 155-175): TYTPSDGTQK[Val165Met]TYLVHNFEEG

ClinVar aggregate classification (germline): Uncertain significance (1 of 4 stars; one submission).

Allele frequency attached by ClinVar (database versions not stated): gnomAD 0.00001; TOPMed 0.00001.
gnomAD v4.1: 7 of 1,607,208 alleles (0.00044%); highest among the groups gnomAD compares: South Asian, 0.0011%; no homozygotes.

Submission:

Ambry Genetics
Classification: Uncertain significance. Last evaluated: 2023-10-22. Review status: criteria provided, single submitter. Criteria: Ambry Variant Classification Scheme 2023. Collection method: clinical testing. Allele origin: germline.
Comment: The p.V165M variant (also known as c.493G>A), located in coding exon 3 of the IDH1 gene, results from a G to A substitution at nucleotide position 493. The valine at codon 165 is replaced by methionine, an amino acid with highly similar properties. This amino acid position is conserved. In addition, this alteration is predicted to be tolerated by in silico analysis. Since supporting evidence is limited at this time, the clinical significance of this alteration remains unclear.